The following is an entry in ClinVar:

ClinVar aggregate classification (germline): Uncertain significance. Review status: criteria provided, multiple submitters, no conflicts (2 of 4 stars). 4 submissions from 4 submitters: Uncertain significance (4). Last evaluated 2025-02-11.

Conditions:
Enhanced S-cone syndrome (ESCS). Identifiers: Orphanet 53540, MedGen C1849394, MONDO:0100288, MONDO:0009989.
Retinitis pigmentosa 37 (RP37). Identifiers: Orphanet 791, MedGen C1970163, MONDO:0012625, OMIM 611131.

Allele frequency attached by ClinVar (database versions not stated): gnomAD 0.00003; TOPMed 0.00003; gnomAD exomes 0.00004; ExAC 0.00005; ESP Exome Variant Server 0.00008.
gnomAD v4.1: 61 of 1,611,340 alleles (0.0038%); highest among the groups gnomAD compares: South Asian, 0.011%; no homozygotes.

Submissions (4):

Labcorp Genetics (formerly Invitae), Labcorp
Classification: Uncertain significance. Last evaluated: 2025-02-11. Review status: criteria provided, single submitter. Criteria: Invitae Variant Classification Sherloc (09022015). Collection method: clinical testing. Allele origin: germline.
Comment: This sequence change replaces arginine, which is basic and polar, with glutamine, which is neutral and polar, at codon 334 of the NR2E3 protein (p.Arg334Gln). This variant is present in population databases (rs374483122, gnomAD 0.007%). This variant has not been reported in the literature in individuals affected with NR2E3-related conditions. ClinVar contains an entry for this variant (Variation ID: 932078). Invitae Evidence Modeling of protein sequence and biophysical properties (such as structural, functional, and spatial information, amino acid conservation, physicochemical variation, residue mobility, and thermodynamic stability) indicates that this missense variant is not expected to disrupt NR2E3 protein function with a negative predictive value of 80%. In summary, the available evidence is currently insufficient to determine the role of this variant in disease. Therefore, it has been classified as a Variant of Uncertain Significance.

Blueprint Genetics
Classification: Uncertain significance. Last evaluated: 2023-03-21. Review status: criteria provided, single submitter. Criteria: ACMG Guidelines, 2015. Collection method: clinical testing. Allele origin: germline.

Fulgent Genetics
Classification: Uncertain significance for ENHANCED S-CONE SYNDROME 1; Retinitis pigmentosa 37. Last evaluated: 2021-09-02. Review status: criteria provided, single submitter. Criteria: ACMG Guidelines, 2015. Collection method: clinical testing. Allele origin: unknown.

Centre for Mendelian Genomics, University Medical Centre Ljubljana
Classification: Uncertain significance for ENHANCED S-CONE SYNDROME 1. Last evaluated: 2019-06-03. Review status: criteria provided, single submitter. Criteria: ACMG Guidelines, 2015. Collection method: clinical testing. Allele origin: unknown. Affected: yes.
Comment: This variant was classified as: Uncertain significance. The available evidence on this variant's pathogenicity is insufficient or conflicting. The following ACMG criteria were applied in classifying this variant: PM2,PP3.

NM_014249.4(NR2E3):c.1001G>A (p.Arg334Gln)

Gene: NR2E3 (nuclear receptor subfamily 2 group E member 3; plus strand). Cytogenetic location: 15q23.
Variant type: single nucleotide variant.
Coding change: c.1001G>A on transcript NM_014249.4 (MANE Select); coding-DNA position 1001, G replaced by A.
Protein change: p.Arg334Gln; replaces arginine 334 with glutamine.
Molecular consequence: missense variant.
Genome position (GRCh38, 1-based): chr15:71,814,018, G>A. VCF-style: chr15-71814018-G-A. GRCh37 (hg19) VCF-style: chr15-72106359-G-A.
Other names: c.1001G>A, p.Arg334Gln (NM_016346.4); short protein forms R334Q.
Identifiers: ClinVar variation 932078 (VCV000932078.6), dbSNP rs374483122, ClinGen allele CA7640473.
Genomic context (GRCh38, chr15:71,814,018, plus strand): 5'-GCCTTATAACAGCCGTAAACCTGTGCTAAGCTCACTGGTGCTGCTTCTCCCCAGAGACGC[G>A]GGGCCTGAAGGATCCTGAGCACGTAGAGGCCTTGCAGGACCAGTCCCAAGTGATGCTGAG-3'
Protein context (NP_055064.1, residues 324-344): KALVLFKPET[Arg334Gln]GLKDPEHVEA